The following is an entry in ClinVar:

ClinVar aggregate classification (germline): Uncertain significance (1 of 4 stars; one submission).

Allele frequency attached by ClinVar (database versions not stated): gnomAD 0.00005 and 0.00010; ExAC 0.00007; gnomAD exomes 0.00007 and 0.00008.
gnomAD v4.1: 116 of 1,613,156 alleles (0.0072%); highest among the groups gnomAD compares: Non-Finnish European, 0.0082%; no homozygotes.

Submission:

Labcorp Genetics (formerly Invitae), Labcorp
Classification: Uncertain significance. Last evaluated: 2024-10-07. Review status: criteria provided, single submitter. Criteria: Invitae Variant Classification Sherloc (09022015). Collection method: clinical testing. Allele origin: germline.
Comment: This sequence change replaces glutamic acid, which is acidic and polar, with aspartic acid, which is acidic and polar, at codon 65 of the NDUFAF7 protein (p.Glu65Asp). This variant is present in population databases (rs201231332, gnomAD 0.01%). This variant has not been reported in the literature in individuals affected with NDUFAF7-related conditions. ClinVar contains an entry for this variant (Variation ID: 1524866). An algorithm developed to predict the effect of missense changes on protein structure and function (PolyPhen-2) suggests that this variant is likely to be disruptive. In summary, the available evidence is currently insufficient to determine the role of this variant in disease. Therefore, it has been classified as a Variant of Uncertain Significance.

NM_144736.5(NDUFAF7):c.195G>C (p.Glu65Asp)

Gene: NDUFAF7 (NADH:ubiquinone oxidoreductase complex assembly factor 7; plus strand). Cytogenetic location: 2p22.2.
Variant type: single nucleotide variant.
Coding change: c.195G>C on transcript NM_144736.5 (MANE Select); coding-DNA position 195, G replaced by C.
Protein change: p.Glu65Asp; replaces glutamic acid 65 with aspartic acid.
Molecular consequence: missense variant. On other transcripts: non-coding transcript variant (10).
Genome position (GRCh38, 1-based): chr2:37,232,245, G>C. VCF-style: chr2-37232245-G-C. GRCh37 (hg19) VCF-style: chr2-37459388-G-C.
Other names: c.195G>C, p.Glu65Asp (NM_001083946.2, NM_001350024.2, NM_001350025.2 and 1 more transcripts); short protein forms E65D.
Identifiers: ClinVar variation 1524866 (VCV001524866.8), dbSNP rs201231332, ClinGen allele CA1617049.